The following is an entry in ClinVar:

ClinVar aggregate classification (germline): Conflicting classifications of pathogenicity. Review status: criteria provided, conflicting classifications (1 of 4 stars). 2 submissions from 2 submitters: Likely pathogenic (1); Uncertain significance (1). Last evaluated 2026-01-11.

Conditions:
Developmental and epileptic encephalopathy 94 (DEE94). Also called: CHD2-Related Neurodevelopmental Disorders; Epileptic encephalopathy, childhood-onset. Identifiers: Orphanet 1942, Orphanet 2382, MedGen C3809278, MONDO:0014150, OMIM 615369.

Submissions (2):

Labcorp Genetics (formerly Invitae), Labcorp
Classification: Uncertain significance for Developmental and epileptic encephalopathy 94. Last evaluated: 2026-01-11. Review status: criteria provided, single submitter. Criteria: Invitae Variant Classification Sherloc (09022015). Collection method: clinical testing. Allele origin: germline.
Comment: This sequence change replaces serine, which is neutral and polar, with proline, which is neutral and non-polar, at codon 1213 of the CHD2 protein (p.Ser1213Pro). This variant is not present in population databases (gnomAD no frequency). This variant has not been reported in the literature in individuals affected with CHD2-related conditions. ClinVar contains an entry for this variant (Variation ID: 2920714). Invitae Evidence Modeling of protein sequence and biophysical properties (such as structural, functional, and spatial information, amino acid conservation, physicochemical variation, residue mobility, and thermodynamic stability) indicates that this missense variant is not expected to disrupt CHD2 protein function with a negative predictive value of 95%. In summary, the available evidence is currently insufficient to determine the role of this variant in disease. Therefore, it has been classified as a Variant of Uncertain Significance.

Department of Genetics, Rouen University Hospital, Normandy Center for Genomic and Personalized Medicine
Classification: Likely pathogenic for Developmental and epileptic encephalopathy 94. Last evaluated: 2021-07-01. Review status: criteria provided, single submitter. Criteria: ACMG Guidelines, 2015. Collection method: clinical testing. Allele origin: de novo. Affected: yes.

NM_001271.4(CHD2):c.3637T>C (p.Ser1213Pro)

Gene: CHD2 (chromodomain helicase DNA binding protein 2; plus strand). Cytogenetic location: 15q26.1.
Variant type: single nucleotide variant.
Coding change: c.3637T>C on transcript NM_001271.4 (MANE Select); coding-DNA position 3637, T replaced by C.
Protein change: p.Ser1213Pro; replaces serine 1213 with proline.
Molecular consequence: missense variant.
Genome position (GRCh38, 1-based): chr15:92,996,998, T>C. VCF-style: chr15-92996998-T-C. GRCh37 (hg19) VCF-style: chr15-93540228-T-C.
Other names: short protein forms S1213P.
Identifiers: ClinVar variation 2920714 (VCV002920714.3), dbSNP rs2505589793, ClinGen allele CA393897719.